The following is an entry in ClinVar:

NM_001077525.3(MTMR14):c.1151G>A (p.Ser384Asn)

Gene: MTMR14 (myotubularin related protein 14; plus strand). Cytogenetic location: 3p25.3.
Variant type: single nucleotide variant.
Coding change: c.1151G>A on transcript NM_001077525.3 (MANE Select); coding-DNA position 1151, G replaced by A.
Protein change: p.Ser384Asn; replaces serine 384 with asparagine.
Molecular consequence: missense variant.
Genome position (GRCh38, 1-based): chr3:9,685,234, G>A. VCF-style: chr3-9685234-G-A. GRCh37 (hg19) VCF-style: chr3-9726918-G-A.
Other names: c.1151G>A, p.Ser384Asn (NM_001077526.3, NM_022485.5); short protein forms S384N.
Identifiers: ClinVar variation 252520 (VCV000252520.12), dbSNP rs115607360, ClinGen allele CA2240633.
Genomic context (GRCh38, chr3:9,685,234, plus strand): 5'-TGCTGCTGACTTTGCCTCTCTACCCTCCTTTTTTCAGGCACATGTTGGTAGATCGGCTCA[G>A]CAAAGGGGAGGAGGTGAGTATACCACCTACGACTTGTGGGCACAGCTCAGCACTGAAAGA-3'
Protein context (NP_001070993.1, residues 374-394): LFGHMLVDRL[Ser384Asn]KGEEIFFFCF

ClinVar aggregate classification (germline): Conflicting classifications of pathogenicity. Review status: criteria provided, conflicting classifications (1 of 4 stars). 3 submissions from 3 submitters: Uncertain significance (2); Likely benign (1). Last evaluated 2025-09-29.

Allele frequency attached by ClinVar (database versions not stated): gnomAD exomes 0.00005 and 0.00013; ExAC 0.00011; ESP Exome Variant Server 0.00039; gnomAD 0.00047; TOPMed 0.00047; 1000 Genomes Project 0.00060; 1000 Genomes Project 30x 0.00062.
gnomAD v4.1: 154 of 1,614,122 alleles (0.0095%); highest among the groups gnomAD compares: African/African-American, 0.17%; no homozygotes.

Submissions (3):

Labcorp Genetics (formerly Invitae), Labcorp
Classification: Uncertain significance. Last evaluated: 2025-09-29. Review status: criteria provided, single submitter. Criteria: Invitae Variant Classification Sherloc (09022015). Collection method: clinical testing. Allele origin: germline.
Comment: This sequence change replaces serine, which is neutral and polar, with asparagine, which is neutral and polar, at codon 384 of the MTMR14 protein (p.Ser384Asn). This variant is present in population databases (rs115607360, gnomAD 0.2%), and has an allele count higher than expected for a pathogenic variant. This variant has not been reported in the literature in individuals affected with MTMR14-related conditions. ClinVar contains an entry for this variant (Variation ID: 252520). Invitae Evidence Modeling of protein sequence and biophysical properties (such as structural, functional, and spatial information, amino acid conservation, physicochemical variation, residue mobility, and thermodynamic stability) indicates that this missense variant is not expected to disrupt MTMR14 protein function with a negative predictive value of 80%. In summary, the available evidence is currently insufficient to determine the role of this variant in disease. Therefore, it has been classified as a Variant of Uncertain Significance.

Revvity Omics, Revvity
Classification: Uncertain significance. Last evaluated: 2019-06-21. Review status: criteria provided, single submitter. Criteria: ACMG Guidelines, 2015. Collection method: clinical testing. Allele origin: germline.

Genomic Diagnostic Laboratory, Division of Genomic Diagnostics, Children's Hospital of Philadelphia
Classification: Likely benign. Last evaluated: 2015-07-27. Review status: criteria provided, single submitter. Criteria: DGD Variant Analysis Guidelines. Collection method: clinical testing. Allele origin: unknown.